The following is an entry in ClinVar:

NM_030665.4(RAI1):c.124C>T (p.Arg42Trp)

Gene: RAI1 (retinoic acid induced 1; plus strand). Cytogenetic location: 17p11.2.
Variant type: single nucleotide variant.
Coding change: c.124C>T on transcript NM_030665.4 (MANE Select); coding-DNA position 124, C replaced by T.
Protein change: p.Arg42Trp; replaces arginine 42 with tryptophan.
Molecular consequence: missense variant.
Genome position (GRCh38, 1-based): chr17:17,793,072, C>T. VCF-style: chr17-17793072-C-T. GRCh37 (hg19) VCF-style: chr17-17696386-C-T.
Other names: c.124C>T (NM_030665.3); short protein forms R42W.
Identifiers: ClinVar variation 2083834 (VCV002083834.5), dbSNP rs200677855, ClinGen allele CA8418049.
Genomic context (GRCh38, chr17:17,793,072, plus strand): 5'-CAGGAAACATCACGCCTAGAGAATTACAGGCAGCCGAGTCAGGCCGGGCTAAGCTGCGAC[C>T]GGCAGCGGCTGCTCGCCAAGGACTATTATAACCCGCAGCCTTACCCGAGCTATGAGGGTG-3'
Protein context (NP_109590.3, residues 32-52): QPSQAGLSCD[Arg42Trp]QRLLAKDYYN

ClinVar aggregate classification (germline): Uncertain significance. Review status: criteria provided, multiple submitters, no conflicts (2 of 4 stars). 2 submissions from 2 submitters: Uncertain significance (2). Last evaluated 2025-02-05.

Conditions:
RAI1-related disorder. Also called: RAI1-related condition.

Allele frequency attached by ClinVar (database versions not stated): TOPMed 0.00001; ExAC 0.00002; gnomAD 0.00003; 1000 Genomes Project 30x 0.00016; 1000 Genomes Project 0.00020.
gnomAD v4.1: 19 of 1,613,898 alleles (0.0012%); highest among the groups gnomAD compares: African/African-American, 0.0027%; no homozygotes.

Submissions (2):

PreventionGenetics, part of Exact Sciences
Classification: Uncertain significance for RAI1-related condition. Last evaluated: 2025-02-05. Review status: criteria provided, single submitter. Criteria: ACMG Guidelines, 2015. Collection method: clinical testing. Allele origin: germline.
Comment: The RAI1 c.124C>T variant is predicted to result in the amino acid substitution p.Arg42Trp. To our knowledge, this variant has not been reported in the literature. This variant is reported in 0.0024% of alleles in individuals of European (Non-Finnish) descent in gnomAD. At this time, the clinical significance of this variant is uncertain due to the absence of conclusive functional and genetic evidence.

Labcorp Genetics (formerly Invitae), Labcorp
Classification: Uncertain significance. Last evaluated: 2024-02-23. Review status: criteria provided, single submitter. Criteria: Invitae Variant Classification Sherloc (09022015). Collection method: clinical testing. Allele origin: germline.
Comment: This sequence change replaces arginine, which is basic and polar, with tryptophan, which is neutral and slightly polar, at codon 42 of the RAI1 protein (p.Arg42Trp). This variant is present in population databases (rs200677855, gnomAD 0.002%). This variant has not been reported in the literature in individuals affected with RAI1-related conditions. ClinVar contains an entry for this variant (Variation ID: 2083834). Advanced modeling of protein sequence and biophysical properties (such as structural, functional, and spatial information, amino acid conservation, physicochemical variation, residue mobility, and thermodynamic stability) performed at Invitae indicates that this missense variant is expected to disrupt RAI1 protein function with a positive predictive value of 80%. In summary, the available evidence is currently insufficient to determine the role of this variant in disease. Therefore, it has been classified as a Variant of Uncertain Significance.